The following is an entry in ClinVar:

ClinVar aggregate classification (germline): Benign/Likely benign. Review status: criteria provided, multiple submitters, no conflicts (2 of 4 stars). 4 submissions from 4 submitters: Benign (1); Likely benign (2). 1 of the submissions does not count toward it. Last evaluated 2025-09-05.

Conditions:
MACF1-related disorder. Also called: MACF1-related condition.

gnomAD v4.1: 459 of 1,608,988 alleles (0.029%); highest among the groups gnomAD compares: Middle Eastern, 0.33%; no homozygotes.

Submissions (5):

Labcorp Genetics (formerly Invitae), Labcorp
Classification: Benign. Last evaluated: 2025-09-05. Review status: criteria provided, single submitter. Criteria: Invitae Variant Classification Sherloc (09022015). Collection method: clinical testing. Allele origin: germline.

CeGaT Center for Human Genetics Tuebingen
Classification: Likely benign. Last evaluated: 2025-04-01. Review status: criteria provided, single submitter. Criteria: CeGaT Center For Human Genetics Tuebingen Variant Classification Criteria Version 2. Collection method: clinical testing. Allele origin: germline. Affected: yes. Observed: 1 variant allele.
Comment: MACF1: BP4, BP7

Blueprint Genetics
Classification: Likely benign. Last evaluated: 2024-11-21. Review status: criteria provided, single submitter. Criteria: ACMG Guidelines, 2015. Collection method: clinical testing. Allele origin: germline.

PreventionGenetics, part of Exact Sciences
Classification: Likely benign for MACF1-related condition. Last evaluated: 2024-04-05. Review status: no assertion criteria provided. Collection method: clinical testing. Allele origin: germline. Not counted in ClinVar's aggregate classification.
Comment: This variant is classified as likely benign based on ACMG/AMP sequence variant interpretation guidelines (Richards et al. 2015 PMID: 25741868, with internal and published modifications).

Dr. Peter K. Rogan Lab, Western University
No classification provided (evidence only). Condition: Acute myeloid leukemia. Review status: no classification provided. Collection method: in vitro. Allele origin: not applicable. Functional consequence: retained intron. Not counted in ClinVar's aggregate classification.

NM_001394062.1(MACF1):c.14346C>T (p.Ala4782=)

Gene: MACF1 (microtubule actin crosslinking factor 1; plus strand). Cytogenetic location: 1p34.3.
Variant type: single nucleotide variant.
Coding change: c.14346C>T on transcript NM_001394062.1 (MANE Select); coding-DNA position 14346, C replaced by T.
Protein change: p.Ala4782=; no amino-acid change (alanine 4782 retained).
Molecular consequence: synonymous variant.
Genome position (GRCh38, 1-based): chr1:39,387,188, C>T. VCF-style: chr1-39387188-C-T. GRCh37 (hg19) VCF-style: chr1-39852860-C-T.
Other names: c.8160C>T, p.Ala2720= (NM_012090.5).
Identifiers: ClinVar variation 3352883 (VCV003352883.12).